The following is an entry in ClinVar:

NM_024596.5(MCPH1):c.348dup (p.Asn117Ter)

Gene: MCPH1 (microcephalin 1; plus strand). Cytogenetic location: 8p23.1.
Variant type: Duplication.
Coding change: c.348dup on transcript NM_024596.5 (MANE Select); coding-DNA position 348, one base duplicated (T; older notation c.348dupT).
Protein change: p.Asn117Ter; replaces asparagine 117 with a stop codon.
Molecular consequence: nonsense.
Genome position (GRCh38, 1-based): chr8:6,436,074, T duplicated; the last of 4 consecutive T bases (chr8:6,436,071-6,436,074); duplicating any one gives the same sequence. VCF-style (leftmost placement, unchanged base first): chr8-6436070-A-AT. GRCh37 (hg19) VCF-style: chr8-6293591-A-AT.
Other names: c.348dup, p.Asn117Ter (NM_001172574.2, NM_001172575.2, NM_001322042.2 and 4 more transcripts); c.342dup, p.Asn115Ter (NM_001322043.2); c.246dup, p.Asn83Ter (NM_001322045.2); short protein forms N115*, N117*, N83*.
Identifiers: ClinVar variation 4884273 (VCV004884273.2).
Genomic context (GRCh38, chr8:6,436,070, plus strand): 5'-TGCAGTACAGCATTAATTTTTGTGTTCTTTTTGCACAGCGTAAATGTATGCAGCCCAAAG[A>AT]TTTTAATTTTAAAACACCAGAAAATGATAAGAGATTTCAGAAGAAATTTGAGAAAATGGC-3'

ClinVar aggregate classification (germline): Likely pathogenic (1 of 4 stars; one submission).

Conditions:
Microcephaly 1, primary, autosomal recessive (MCPH1). Also called: PREMATURE CHROMOSOME CONDENSATION SYNDROME; PCC SYNDROME; PREMATURE CHROMOSOME CONDENSATION WITH MICROCEPHALY AND MENTAL RETARDATION. Identifiers: Orphanet 2512, MedGen C1855081, MONDO:0009617, OMIM 251200.

Submission:

Dasa
Classification: Likely pathogenic for Microcephaly 1, primary, autosomal recessive. Last evaluated: 2025-08-10. Review status: criteria provided, single submitter. Criteria: DASA Assertion Criteria. Collection method: clinical testing. Allele origin: germline.
Comment: NM_024596.5(MCPH1):c.348dup (p.Asn117*) is a frameshift variant in MCPH1 predicted to alter the reading frame and introduce a premature termination codon and is predicted to result in an absent or altered protein product. Loss of function is an established disease mechanism for MCPH1-associated disorders. Also, this variant is absent from population databases. Based on the currently available evidence, this variant is classified as likely pathogenic.